The following is an entry in ClinVar:

NM_006031.6(PCNT):c.2893C>T (p.Leu965=)

Gene: PCNT (pericentrin; plus strand). Cytogenetic location: 21q22.3.
Variant type: single nucleotide variant.
Coding change: c.2893C>T on transcript NM_006031.6 (MANE Select); coding-DNA position 2893, C replaced by T.
Protein change: p.Leu965=; no amino-acid change (leucine 965 retained).
Molecular consequence: synonymous variant.
Genome position (GRCh38, 1-based): chr21:46,366,867, C>T. VCF-style: chr21-46366867-C-T. GRCh37 (hg19) VCF-style: chr21-47786782-C-T.
Other names: c.2539C>T, p.Leu847= (NM_001315529.2); c.2893C>T (NM_006031.5).
Identifiers: ClinVar variation 2062876 (VCV002062876.5), dbSNP rs762597308, ClinGen allele CA10079124.

ClinVar aggregate classification (germline): Likely benign. Review status: criteria provided, single submitter (1 of 4 stars). 2 submissions from 2 submitters: Likely benign (1). 1 of the submissions does not count toward it. Last evaluated 2024-11-05.

Conditions:
PCNT-related disorder. Also called: PCNT-related condition.

Allele frequency attached by ClinVar (database versions not stated): gnomAD 0.00001; gnomAD exomes 0.00001; TOPMed 0.00001; ExAC 0.00001.
gnomAD v4.1: 19 of 1,614,046 alleles (0.0012%); highest among the groups gnomAD compares: Non-Finnish European, 0.0015%; no homozygotes.

Submissions (2):

Labcorp Genetics (formerly Invitae), Labcorp
Classification: Likely benign. Last evaluated: 2024-11-05. Review status: criteria provided, single submitter. Criteria: Invitae Variant Classification Sherloc (09022015). Collection method: clinical testing. Allele origin: germline.

PreventionGenetics, part of Exact Sciences
Classification: Likely benign for PCNT-related condition. Last evaluated: 2019-07-18. Review status: no assertion criteria provided. Collection method: clinical testing. Allele origin: germline. Not counted in ClinVar's aggregate classification.
Comment: This variant is classified as likely benign based on ACMG/AMP sequence variant interpretation guidelines (Richards et al. 2015 PMID: 25741868, with internal and published modifications).